The following is an entry in ClinVar:

NM_014252.4(SLC25A15):c.*684C>T

Gene: SLC25A15 (solute carrier family 25 member 15; plus strand). Cytogenetic location: 13q14.11.
Variant type: single nucleotide variant.
Coding change: c.*684C>T on transcript NM_014252.4 (MANE Select); 684 bases downstream of the stop codon, C replaced by T.
Molecular consequence: 3 prime UTR variant.
Genome position (GRCh38, 1-based): chr13:40,810,351, C>T. VCF-style: chr13-40810351-C-T. GRCh37 (hg19) VCF-style: chr13-41384487-C-T.
Identifiers: ClinVar variation 312194 (VCV000312194.5), dbSNP rs111782657, ClinGen allele CA10634396.

ClinVar aggregate classification (germline): Benign (1 of 4 stars; one submission).

Conditions:
Hyperornithinemia-hyperammonemia-homocitrullinuria syndrome (HHHS). Also called: HHH SYNDROME; Ornithine translocase deficiency. Identifiers: Orphanet 415, MedGen C0268540, MONDO:0009393, OMIM 238970.

Allele frequency attached by ClinVar (database versions not stated): 1000 Genomes Project 0.07009; gnomAD 0.07194 and 0.07643; 1000 Genomes Project 30x 0.07511; TOPMed 0.08127.
gnomAD v4.1: 10,868 of 152,000 alleles (7.1%); highest among the groups gnomAD compares: African/African-American, 21%; 1,036 homozygotes.

Submission:

Illumina Laboratory Services, Illumina
Classification: Benign for Hyperornithinemia-hyperammonemia-homocitrullinuria syndrome. Last evaluated: 2018-01-12. Review status: criteria provided, single submitter. Criteria: ICSL Variant Classification Criteria 13 December 2019. Collection method: clinical testing. Allele origin: germline.
Comment: This variant was observed in the ICSL laboratory as part of a predisposition screen in an ostensibly healthy population. It had not been previously curated by ICSL or reported in the Human Gene Mutation Database (HGMD: prior to June 1st, 2018), and was therefore a candidate for classification through an automated scoring system. Utilizing variant allele frequency, disease prevalence and penetrance estimates, and inheritance mode, an automated score was calculated to assess if this variant is too frequent to cause the disease. Based on the score and internal cut-off values, a variant classified as benign is not then subjected to further curation. The score for this variant resulted in a classification of benign for this disease.